The following is an entry in ClinVar:

ClinVar aggregate classification (germline): Uncertain significance (1 of 4 stars; one submission).

Conditions:
Inborn genetic diseases. Identifiers: MedGen C0950123, MeSH D030342.

Submission:

Ambry Genetics
Classification: Uncertain significance for Inborn genetic diseases. Last evaluated: 2025-12-14. Review status: criteria provided, single submitter. Criteria: Ambry Variant Classification Scheme 2023. Collection method: clinical testing. Allele origin: germline.
Comment: The p.A407G variant (also known as c.1220C>G), located in coding exon 10 of the FANCG gene, results from a C to G substitution at nucleotide position 1220. The alanine at codon 407 is replaced by glycine, an amino acid with similar properties. This amino acid position is conserved. In addition, this alteration is predicted to be tolerated by in silico analysis. Based on the available evidence, the clinical significance of this variant remains unclear.

NM_004629.2(FANCG):c.1220C>G (p.Ala407Gly)

Gene: FANCG (FA complementation group G; minus strand). Cytogenetic location: 9p13.3.
Variant type: single nucleotide variant.
Coding change: c.1220C>G on transcript NM_004629.2 (MANE Select); coding-DNA position 1220, C replaced by G.
Protein change: p.Ala407Gly; replaces alanine 407 with glycine.
Molecular consequence: missense variant.
Genome position (GRCh38, 1-based): chr9:35,075,678, G>C on the plus strand (C>G on the coding strand, the complement: FANCG is on the minus strand). VCF-style: chr9-35075678-G-C. GRCh37 (hg19) VCF-style: chr9-35075675-G-C.
Other names: short protein forms A407G.
Identifiers: ClinVar variation 4619407 (VCV004619407.1).